The following is an entry in ClinVar:

NM_000368.5(TSC1):c.2156TCC[1] (p.Leu720del)

Gene: TSC1 (TSC complex subunit 1; minus strand). Cytogenetic location: 9q34.13.
Variant type: Microsatellite.
Coding change: c.2156TCC[1] on transcript NM_000368.5 (MANE Select); one copy of the 3-base unit TCC starting at c.2156; the reference has two copies in a row; one copy, 3 bases deleted.
Protein change: p.Leu720del; deletes leucine 720.
Molecular consequence: inframe deletion. On other transcripts: inframe indel (1), non-coding transcript variant (4).
Genome position (GRCh38, 1-based): chr9:132,903,698-132,903,700, GGA deleted on the plus strand (TCC on the coding strand, the reverse complement: TSC1 is on the minus strand); deleting any 3 consecutive bases within chr9:132,903,698-132,903,704 gives the same sequence; the position shown is the placement nearest the transcript's 3' end. VCF-style (leftmost placement, unchanged base first): chr9-132903697-CGGA-C. GRCh37 (hg19) VCF-style: chr9-135779084-CGGA-C.
Other names: c.2159_2161delTCC (NM_000368.4); c.2156TCC[1], p.Leu720del (NM_001406592.1, NM_001406593.1, NM_001406594.1 and 5 more transcripts); c.2153TCC[1], p.Leu719del (NM_001406597.1, NM_001406598.1, NM_001406599.1 and 4 more transcripts); c.2003TCC[1], p.Leu669del (NM_001406610.1, NM_001162427.2); c.2000TCC[1], p.Leu668del (NM_001406611.1, NM_001406612.1, NM_001406613.1); c.1793TCC[1], p.Leu599del (NM_001406614.1, NM_001406615.1, NM_001362177.2 and 5 more transcripts); c.2155_2157CTC[1], p.Leu720del (NM_000368.4); c.2141TCC[1], p.Leu715del (NM_001406601.1, NM_001406602.1); and 5 more; short protein forms L599del, L668del, L714del, L402del, L403del, L715del, L720del, L369del.
Identifiers: ClinVar variation 2756267 (VCV002756267.4), dbSNP rs2538649117, ClinGen allele CA2697558141.

ClinVar aggregate classification (germline): Uncertain significance. Review status: criteria provided, multiple submitters, no conflicts (2 of 4 stars). 2 submissions from 2 submitters: Uncertain significance (2). Last evaluated 2026-07-20.

Conditions:
Tuberous sclerosis 1 (TSC1). Identifiers: Orphanet 805, MedGen C1854465, MONDO:0008612, OMIM 191100.
Hereditary cancer-predisposing syndrome. Also called: Hereditary Cancer Syndrome; Hereditary neoplastic syndrome; Neoplastic Syndromes, Hereditary; Tumor predisposition. Identifiers: Orphanet 140162, MedGen C0027672, MeSH D009386, MONDO:0015356.

Submissions (2):

Ambry Genetics
Classification: Uncertain significance for Hereditary cancer-predisposing syndrome. Last evaluated: 2026-07-20. Review status: criteria provided, single submitter. Criteria: Ambry Variant Classification Scheme 2023. Collection method: clinical testing. Allele origin: germline.
Comment: The c.2159_2161delTCC variant (also known as p.L720del) is located in coding exon 15 of the TSC1 gene. This variant results from an in-frame TCC deletion at nucleotide positions 2159 to 2161. This results in the in-frame deletion of a leucine at codon 720. This amino acid position is highly conserved in available vertebrate species. In addition, this variant is predicted to be deleterious by in silico analysis (Choi Y et al. PLoS ONE. 2012; 7(10):e46688). Based on the available evidence, the clinical significance of this variant remains unclear.

Labcorp Genetics (formerly Invitae), Labcorp
Classification: Uncertain significance for Tuberous sclerosis 1. Last evaluated: 2023-08-29. Review status: criteria provided, single submitter. Criteria: Invitae Variant Classification Sherloc (09022015). Collection method: clinical testing. Allele origin: germline.
Comment: Experimental studies and prediction algorithms are not available or were not evaluated, and the functional significance of this variant is currently unknown. In summary, the available evidence is currently insufficient to determine the role of this variant in disease. Therefore, it has been classified as a Variant of Uncertain Significance. This variant has not been reported in the literature in individuals affected with TSC1-related conditions. This variant, c.2159_2161del, results in the deletion of 1 amino acid(s) of the TSC1 protein (p.Leu720del), but otherwise preserves the integrity of the reading frame. This variant is not present in population databases (gnomAD no frequency).